The following is an entry in ClinVar:

ClinVar aggregate classification (germline): Likely benign (1 of 4 stars; one submission).

Allele frequency attached by ClinVar (database versions not stated): TOPMed below 0.00001.

Submission:

CeGaT Center for Human Genetics Tuebingen
Classification: Likely benign. Last evaluated: 2022-08-01. Review status: criteria provided, single submitter. Criteria: CeGaT Center For Human Genetics Tuebingen Variant Classification Criteria Version 2. Collection method: clinical testing. Allele origin: germline. Affected: yes. Observed: 1 variant allele.
Comment: KPTN: PM2:Supporting, BP4, BP7

NM_007059.4(KPTN):c.69G>C (p.Ser23=)

Gene: KPTN (kaptin, actin binding protein; minus strand). Cytogenetic location: 19q13.32.
Variant type: single nucleotide variant.
Coding change: c.69G>C on transcript NM_007059.4 (MANE Select); coding-DNA position 69, G replaced by C.
Protein change: p.Ser23=; no amino-acid change (serine 23 retained).
Molecular consequence: synonymous variant. On other transcripts: non-coding transcript variant (1).
Genome position (GRCh38, 1-based): chr19:47,484,092, C>G on the plus strand (G>C on the coding strand, the complement: KPTN is on the minus strand). VCF-style: chr19-47484092-C-G. GRCh37 (hg19) VCF-style: chr19-47987349-C-G.
Other names: c.69G>C, p.Ser23= (NM_001291296.2).
Identifiers: ClinVar variation 2650154 (VCV002650154.24), dbSNP rs1967990533, ClinGen allele CA507894960.
Genomic context (GRCh38, chr19:47,484,092, plus strand): 5'-GGCCAGCAGCTCCCCGCGCCCGCCGGCGCCGCCTGCCAGCCCGTACACATTGCTCTGCGA[C>G]GAGAAGCGCGTGAAGCTGTCCTCGCGCAACGGACAAGGCCCCGCGGCCACGGCCGCCTCC-3'
Protein context (NP_008990.2, residues 13-33): PLREDSFTRF[Ser23=]SQSNVYGLAG